The following is an entry in ClinVar:

ClinVar aggregate classification (germline): Uncertain significance (1 of 4 stars; one submission).

Conditions:
Gnathodiaphyseal dysplasia (GDD). Also called: GNATHODIAPHYSEAL SCLEROSIS; OSTEOGENESIS IMPERFECTA WITH UNUSUAL SKELETAL LESIONS. Identifiers: Orphanet 53697, MedGen C1833736, MONDO:0008151, OMIM 166260.
Autosomal recessive limb-girdle muscular dystrophy type 2L (LGMDR12). Also called: Limb-girdle muscular dystrophy, type 2L; MUSCULAR DYSTROPHY, LIMB-GIRDLE, AUTOSOMAL RECESSIVE 12; Limb-Girdle Muscular Dystrophy R12 Anoctamin-5-Related (LGMD-R12). Identifiers: Orphanet 206549, MedGen C1969785, MONDO:0012652, OMIM 611307.

gnomAD v4.1: 3 of 1,612,180 alleles (0.00019%); highest among the groups gnomAD compares: Non-Finnish European, 0.00017%; no homozygotes.

Submission:

Labcorp Genetics (formerly Invitae), Labcorp
Classification: Uncertain significance for Autosomal recessive limb-girdle muscular dystrophy type 2L; Gnathodiaphyseal dysplasia. Last evaluated: 2024-12-22. Review status: criteria provided, single submitter. Criteria: Invitae Variant Classification Sherloc (09022015). Collection method: clinical testing. Allele origin: germline.
Comment: This sequence change replaces asparagine, which is neutral and polar, with histidine, which is basic and polar, at codon 42 of the ANO5 protein (p.Asn42His). This variant is not present in population databases (gnomAD no frequency). This variant has not been reported in the literature in individuals affected with ANO5-related conditions. An algorithm developed to predict the effect of missense changes on protein structure and function outputs the following: PolyPhen-2: "Benign". The histidine amino acid residue is found in multiple mammalian species, which suggests that this missense change does not adversely affect protein function. In summary, the available evidence is currently insufficient to determine the role of this variant in disease. Therefore, it has been classified as a Variant of Uncertain Significance.

NM_213599.3(ANO5):c.124A>C (p.Asn42His)

Gene: ANO5 (anoctamin 5; plus strand). Cytogenetic location: 11p14.3.
Variant type: single nucleotide variant.
Coding change: c.124A>C on transcript NM_213599.3 (MANE Select); coding-DNA position 124, A replaced by C.
Protein change: p.Asn42His; replaces asparagine 42 with histidine.
Molecular consequence: missense variant.
Genome position (GRCh38, 1-based): chr11:22,211,300, A>C. VCF-style: chr11-22211300-A-C. GRCh37 (hg19) VCF-style: chr11-22232846-A-C.
Other names: c.121A>C, p.Asn41His (NM_001142649.2, NM_001410964.1); c.124A>C, p.Asn42His (NM_001410963.1); short protein forms N41H, N42H.
Identifiers: ClinVar variation 3748921 (VCV003748921.2).